The following is an entry in ClinVar:

NM_004329.3(BMPR1A):c.45G>T (p.Leu15Phe)

Gene: BMPR1A (bone morphogenetic protein receptor type 1A; plus strand). Cytogenetic location: 10q23.2.
Variant type: single nucleotide variant.
Coding change: c.45G>T on transcript NM_004329.3 (MANE Select); coding-DNA position 45, G replaced by T.
Protein change: p.Leu15Phe; replaces leucine 15 with phenylalanine.
Molecular consequence: missense variant. On other transcripts: 5 prime UTR variant (1), non-coding transcript variant (3), intron variant (4).
Genome position (GRCh38, 1-based): chr10:86,876,063, G>T. VCF-style: chr10-86876063-G-T. GRCh37 (hg19) VCF-style: chr10-88635820-G-T.
Other names: c.45G>T, p.Leu15Phe (NM_001406581.1, NM_001406582.1, NM_001406583.1 and 23 more transcripts); c.-35G>T (NM_001406588.1); c.-17-13999G>T (NM_001406584.1, NM_001406587.1, NM_001406585.1); c.-12-14004G>T (NM_001406586.1); short protein forms L15F.
Identifiers: ClinVar variation 3075410 (VCV003075410.2), dbSNP rs2133321682, ClinGen allele CA377774833.

ClinVar aggregate classification (germline): Uncertain significance. Review status: criteria provided, multiple submitters, no conflicts (2 of 4 stars). 2 submissions from 2 submitters: Uncertain significance (2). Last evaluated 2024-04-10.

Conditions:
Juvenile polyposis syndrome (JPS). Identifiers: Orphanet 2929, MedGen C0345893, MONDO:0017380, OMIM 174900.
Hereditary cancer-predisposing syndrome. Also called: Tumor predisposition; Hereditary Cancer Syndrome; Hereditary neoplastic syndrome; Neoplastic Syndromes, Hereditary. Identifiers: Orphanet 140162, MedGen C0027672, MeSH D009386, MONDO:0015356.

Submissions (2):

Ambry Genetics
Classification: Uncertain significance for Hereditary cancer-predisposing syndrome. Last evaluated: 2024-04-10. Review status: criteria provided, single submitter. Criteria: Ambry Variant Classification Scheme 2023. Collection method: clinical testing. Allele origin: germline.
Comment: The p.L15F variant (also known as c.45G>T), located in coding exon 1 of the BMPR1A gene, results from a G to T substitution at nucleotide position 45. The leucine at codon 15 is replaced by phenylalanine, an amino acid with highly similar properties. This amino acid position is conserved. In addition, this alteration is predicted to be tolerated by in silico analysis. Based on the available evidence, the clinical significance of this variant remains unclear.

All of Us Research Program, National Institutes of Health
Classification: Uncertain significance for Juvenile polyposis syndrome. Last evaluated: 2024-02-05. Review status: criteria provided, single submitter. Criteria: ACMG Guidelines, 2015. Collection method: clinical testing. Allele origin: germline. Inheritance: Autosomal dominant inheritance. Observed: 1 variant allele, 1 heterozygote.
Comment: This missense variant replaces leucine with phenylalanine at codon 15 of the BMPR1A protein. Computational prediction suggests that this variant may not impact protein structure and function (internally defined REVEL score threshold <= 0.5, PMID: 27666373). To our knowledge, functional studies have not been reported for this variant. This variant has not been reported in individuals affected with BMPR1A-related disorders in the literature. This variant has not been identified in the general population by the Genome Aggregation Database (gnomAD). The available evidence is insufficient to determine the role of this variant in disease conclusively. Therefore, this variant is classified as a Variant of Uncertain Significance.

This study involves interpretation of variants in research participants for the purpose of population health screening. Participant phenotype was not available at the time of variant classification. Additional details can be found in publication PMID: 35346344, PMCID: PMC8962531